The following is an entry in ClinVar:

NM_015215.4(CAMTA1):c.2302T>C (p.Ser768Pro)

Gene: CAMTA1 (calmodulin binding transcription activator 1; plus strand). Cytogenetic location: 1p36.23.
Variant type: single nucleotide variant.
Coding change: c.2302T>C on transcript NM_015215.4 (MANE Select); coding-DNA position 2302, T replaced by C.
Protein change: p.Ser768Pro; replaces serine 768 with proline.
Molecular consequence: missense variant.
Genome position (GRCh38, 1-based): chr1:7,664,849, T>C. VCF-style: chr1-7664849-T-C. GRCh37 (hg19) VCF-style: chr1-7724909-T-C.
Other names: c.2212T>C, p.Ser738Pro (NM_001349608.2, NM_001349612.2); c.2302T>C, p.Ser768Pro (NM_001349609.2, NM_001349610.2); short protein forms S738P, S768P.
Identifiers: ClinVar variation 1048960 (VCV001048960.6), dbSNP rs201459076, ClinGen allele CA566611.

ClinVar aggregate classification (germline): Uncertain significance. Review status: criteria provided, single submitter (1 of 4 stars). 2 submissions from 2 submitters: Uncertain significance (1). 1 of the submissions does not count toward it. Last evaluated 2022-10-18.

Allele frequency attached by ClinVar (database versions not stated): gnomAD exomes 0.00002 and 0.00009; ExAC 0.00004; TOPMed 0.00011; gnomAD 0.00013 and 0.00014.
gnomAD v4.1: 54 of 1,613,330 alleles (0.0033%); highest among the groups gnomAD compares: Admixed American, 0.07%; no homozygotes.

Submissions (2):

Labcorp Genetics (formerly Invitae), Labcorp
Classification: Uncertain significance. Last evaluated: 2022-10-18. Review status: criteria provided, single submitter. Criteria: Invitae Variant Classification Sherloc (09022015). Collection method: clinical testing. Allele origin: germline.
Comment: In summary, the available evidence is currently insufficient to determine the role of this variant in disease. Therefore, it has been classified as a Variant of Uncertain Significance. Algorithms developed to predict the effect of missense changes on protein structure and function are either unavailable or do not agree on the potential impact of this missense change (SIFT: "Deleterious"; PolyPhen-2: "Probably Damaging"; Align-GVGD: "Class C0"). ClinVar contains an entry for this variant (Variation ID: 1048960). This variant has not been reported in the literature in individuals affected with CAMTA1-related conditions. This variant is present in population databases (rs201459076, gnomAD 0.05%), and has an allele count higher than expected for a pathogenic variant. This sequence change replaces serine, which is neutral and polar, with proline, which is neutral and non-polar, at codon 768 of the CAMTA1 protein (p.Ser768Pro).

Department of Pathology and Laboratory Medicine, Sinai Health System
Classification: Benign. Review status: no assertion criteria provided. Collection method: clinical testing. Allele origin: unknown. Affected: yes. Study: The Canadian Open Genetics Repository (COGR). Not counted in ClinVar's aggregate classification.
Comment: Â¬â€ The CAMTA1 p.S768P variant was not identified in the literature nor was it identified in ClinVar. The variant was identified in dbSNP (ID: rs201459076) and in control databases in 24 of 281974 chromosomes at a frequency of 0.00008511 (Genome Aggregation Database March 6, 2019, v2.1.1). The variant was observed in the following populations: Latino in 18 of 35422 chromosomes (freq: 0.000508), Ashkenazi Jewish in 2 of 10356 chromosomes (freq: 0.000193), Other in 1 of 7214 chromosomes (freq: 0.000139) and European (non-Finnish) in 3 of 128406 chromosomes (freq: 0.000023), but was not observed in the African, East Asian, European (Finnish), or South Asian populations. The frequency is greater than expected for the rare autosomal dominant nonprogressive cerebellar ataxia with mental retardation disorder that is associated with CAMTA1 variants. The p.S768 residue is conserved in mammals and computational analyses (PolyPhen-2, SIFT, MutationTaster, Revel, FATHMM, MetaLR, DANN) provide inconsistent predictions regarding the impact to the protein; this information is not very predictive of pathogenicity. The variant occurs outside of the splicing consensus sequence and in silico or computational prediction software programs (Splice AI exome) do not predict a difference in splicing. In summary, based on the above information this variant meets our laboratory's criteria to be classified as benign.